The following is an entry in ClinVar:

ClinVar aggregate classification (germline): Uncertain significance (1 of 4 stars; one submission).

Conditions:
Frontotemporal dementia and/or amyotrophic lateral sclerosis 1 (FTDALS1). Also called: C9orf72 Frontotemporal Dementia and/or Amyotrophic Lateral Sclerosis; Frontotemporal dementia with motor neuron disease 1. Identifiers: Orphanet 275872, MedGen C5779877, MONDO:0007105, OMIM 105550.
Paget disease of bone 2, early-onset (PDB2). Also called: Paget disease of bone 2. Identifiers: MedGen C4085251, MONDO:0011183, OMIM 602080.

gnomAD v4.1: 1 of 1,613,776 alleles (0.000062%); highest among the groups gnomAD compares: South Asian, 0.0011%; no homozygotes.

Submission:

Labcorp Genetics (formerly Invitae), Labcorp
Classification: Uncertain significance for Paget disease of bone 2, early-onset; Frontotemporal dementia and/or amyotrophic lateral sclerosis 1. Last evaluated: 2025-12-30. Review status: criteria provided, single submitter. Criteria: Invitae Variant Classification Sherloc (09022015). Collection method: clinical testing. Allele origin: germline.
Comment: This sequence change replaces aspartic acid, which is acidic and polar, with glutamic acid, which is acidic and polar, at codon 292 of the SQSTM1 protein (p.Asp292Glu). This variant is present in population databases (no rsID available, gnomAD 0.003%). This variant has not been reported in the literature in individuals affected with SQSTM1-related conditions. Invitae Evidence Modeling of protein sequence and biophysical properties (such as structural, functional, and spatial information, amino acid conservation, physicochemical variation, residue mobility, and thermodynamic stability) indicates that this missense variant is not expected to disrupt SQSTM1 protein function with a negative predictive value of 80%. In summary, the available evidence is currently insufficient to determine the role of this variant in disease. Therefore, it has been classified as a Variant of Uncertain Significance.

NM_003900.5(SQSTM1):c.876C>G (p.Asp292Glu)

Gene: SQSTM1 (sequestosome 1; plus strand). Cytogenetic location: 5q35.3.
Variant type: single nucleotide variant.
Coding change: c.876C>G on transcript NM_003900.5 (MANE Select); coding-DNA position 876, C replaced by G.
Protein change: p.Asp292Glu; replaces aspartic acid 292 with glutamic acid.
Molecular consequence: missense variant.
Genome position (GRCh38, 1-based): chr5:179,833,153, C>G. VCF-style: chr5-179833153-C-G. GRCh37 (hg19) VCF-style: chr5-179260153-C-G.
Other names: c.624C>G, p.Asp208Glu (NM_001142298.2, NM_001142299.2); short protein forms D208E, D292E.
Identifiers: ClinVar variation 4794006 (VCV004794006.1).
Genomic context (GRCh38, chr5:179,833,153, plus strand): 5'-TCCAGAGAGTTCCAGCACAGAGGAGAAGAGCAGCTCACAGCCAAGCAGCTGCTGCTCTGA[C>G]CCCAGCAAGCCGGGTGGGAATGTTGAGGGCGCCACGCAGTCTCTGGCGGAGCAGATGAGG-3'
Protein context (NP_003891.1, residues 282-302): SSSQPSSCCS[Asp292Glu]PSKPGGNVEG